The following is an entry in ClinVar:

NM_001377137.1(GBF1):c.5198_5199delinsTT (p.Gly1733Val)

Gene: GBF1 (golgi brefeldin A resistant guanine nucleotide exchange factor 1; plus strand). Cytogenetic location: 10q24.32.
Variant type: Indel.
Coding change: c.5198_5199delinsTT on transcript NM_001377137.1 (MANE Select); coding-DNA positions 5198 to 5199, GC replaced by TT.
Protein change: p.Gly1733Val; replaces glycine 1733 with valine.
Molecular consequence: missense variant. On other transcripts: non-coding transcript variant (5), intron variant (1).
Genome position (GRCh38, 1-based): chr10:102,381,151-102,381,152, GC replaced by TT. VCF-style: chr10-102381151-GC-TT. GRCh37 (hg19) VCF-style: chr10-104140908-GC-TT.
Other names: c.5186_5187delinsTT, p.Gly1729Val (NM_001199378.2, NM_001391923.1); c.5183_5184delinsTT, p.Gly1728Val (NM_001199379.2, NM_001391924.1); c.5147_5148delinsTT, p.Gly1716Val (NM_001377138.1); c.4901_4902delinsTT, p.Gly1634Val (NM_001377139.1, NM_001391930.1); c.4889_4890delinsTT, p.Gly1630Val (NM_001377140.1); c.5195_5196delinsTT, p.Gly1732Val (NM_001377141.1, NM_004193.3); c.5282_5283delinsTT, p.Gly1761Val (NM_001391922.1); c.5159_5160delinsTT, p.Gly1720Val (NM_001391925.1); and 7 more; short protein forms G1602V, G1630V, G1634V, G1649V, G1681V, G1716V, G1717V, G1720V.
Identifiers: ClinVar variation 4848227 (VCV004848227.1).

ClinVar aggregate classification (germline): Likely benign (1 of 4 stars; one submission).

Submission:

Women's Health and Genetics/Laboratory Corporation of America, LabCorp
Classification: Likely benign. Last evaluated: 2026-02-27. Review status: criteria provided, single submitter. Criteria: LabCorp Variant Classification Summary - May 2015. Collection method: clinical testing. Allele origin: germline.
Comment: Variant summary: GBF1 c.5195_5196delinsTT (p.Gly1732Val) results in a non-conservative amino acid change in the encoded protein sequence. Algorithms developed to predict the effect of missense changes on protein structure and function are either unavailable or do not agree on the potential impact of this missense change. The variant allele was found at a frequency of 5.2e-05 in 251426 control chromosomes, predominantly at a frequency of 0.00011 within the Non-Finnish European subpopulation in the gnomAD database. The observed variant frequency within Non-Finnish European control individuals in the gnomAD database exceeds the estimated maximal expected allele frequency for disease-causing variants in GBF1. To our knowledge, no occurrence of c.5195_5196delinsTT in individuals affected with GBF1-related conditions and no experimental evidence demonstrating its impact on protein function have been reported. No submitters have cited clinical-significance assessments for this variant to ClinVar. Based on the evidence outlined above, the variant was classified as likely benign.